The following is an entry in ClinVar:

NM_153704.6(TMEM67):c.755T>C (p.Met252Thr)

Gene: TMEM67 (transmembrane protein 67; plus strand). Cytogenetic location: 8q22.1.
Variant type: single nucleotide variant.
Coding change: c.755T>C on transcript NM_153704.6 (MANE Select); coding-DNA position 755, T replaced by C.
Protein change: p.Met252Thr; replaces methionine 252 with threonine.
Molecular consequence: missense variant. On other transcripts: non-coding transcript variant (1).
Genome position (GRCh38, 1-based): chr8:93,780,633, T>C. VCF-style: chr8-93780633-T-C. GRCh37 (hg19) VCF-style: chr8-94792861-T-C.
Other names: c.512T>C, p.Met171Thr (NM_001142301.1); short protein forms M252T, M171T.
Identifiers: ClinVar variation 1387 (VCV000001387.56), dbSNP rs202149403, ClinGen allele CA251773.

ClinVar aggregate classification (germline): Pathogenic/Likely pathogenic. Review status: criteria provided, multiple submitters, no conflicts (2 of 4 stars). 16 submissions from 16 submitters: Pathogenic (10); Likely pathogenic (1). 5 of the submissions do not count toward it. Last evaluated 2026-05-03.

Conditions:
Meckel syndrome, type 3 (MKS3). Also called: MECKEL-GRUBER SYNDROME, TYPE 3. Identifiers: Orphanet 564, MedGen C1846357, MONDO:0011821, OMIM 607361.
COACH syndrome 1. Identifiers: Orphanet 1454, MedGen C5435651, MONDO:0800103, OMIM 216360, MONDO:0008996.
Bardet-Biedl syndrome 14 (BBS14). Identifiers: Orphanet 110, MedGen C2673874, MONDO:0014442, OMIM 615991.
Joubert syndrome 6 (JBTS6). Identifiers: Orphanet 475, MedGen C1853153, MONDO:0012539, OMIM 610688.
Nephronophthisis 11 (NPHP11). Identifiers: Orphanet 84081, MedGen C3150796, MONDO:0013302, OMIM 613550.
RHYNS syndrome. Also called: RETINITIS PIGMENTOSA SYNDROME; RETINITIS PIGMENTOSA, HYPOPITUITARISM, NEPHRONOPHTHISIS, AND MILD SKELETAL DYSPLASIA. Identifiers: Orphanet 140976, MedGen C1865794, MONDO:0011202, OMIM 602152.
TMEM67-related disorder. Also called: TMEM67-related disorders; TMEM67-related condition. Identifiers: MedGen CN239423.
Joubert syndrome and related disorders. Identifiers: Orphanet 140874, MedGen C5679612, MONDO:0015369.
Meckel-Gruber syndrome. Also called: GRUBER SYNDROME; Dysencephalia splachnocystica; DYSENCEPHALIA SPLANCHNOCYSTICA. Identifiers: Orphanet 564, MedGen C0265215, MONDO:0018921.
Joubert syndrome. Also called: JOUBERT-BOLTSHAUSER SYNDROME; Familial aplasia of the vermis. Identifiers: Orphanet 475, MedGen C5979921, MONDO:0018772.
Nephronophthisis. Also called: Juvenile Nephronophthisis. Identifiers: Orphanet 655, MedGen C0687120, MONDO:0019005, HP:0000090.

Allele frequency attached by ClinVar (database versions not stated): gnomAD exomes 0.00008 and 0.00010; gnomAD 0.00006; ExAC 0.00010; TOPMed 0.00002.
gnomAD v4.1: 154 of 1,614,074 alleles (0.0095%); highest among the groups gnomAD compares: Non-Finnish European, 0.012%; no homozygotes.

Submissions (16):

PreventionGenetics, part of Exact Sciences
Classification: Pathogenic for TMEM67-related condition. Last evaluated: 2026-05-03. Review status: criteria provided, single submitter. Criteria: ACMG Guidelines, 2015. Collection method: clinical testing. Allele origin: germline.
Comment: The TMEM67 c.755T>C variant is predicted to result in the amino acid substitution p.Met252Thr. This variant has been reported in the compound heterozygous state in multiple individuals with Meckel syndrome (gene referred to as MSK3 in Khaddour et al. 2007. PubMed ID: 17397051; Chaki et al. 2011. PubMed ID: 21866095; Bachmann-Gagescu et al. 2015. PubMed ID: 26092869). A functional study using mouse embryonic fibroblasts (MEFs) showed that the p.Met252Thr variant was unable to restore normal basal levels of canonical Wnt/β-catenin signaling in TMEM67-null cells (Abdelhamed et al. 2015. PubMed ID: 26035863). This variant is reported in 0.015% of alleles in individuals of European (Non-Finnish) descent in gnomAD and has been classified as pathogenic by multiple independent submitters to the ClinVar database (Variant ID: 1387). Given all the evidence, we interpret c.755T>C (p.Met252Thr) as pathogenic.

Variantyx, Inc.
Classification: Pathogenic for Meckel syndrome, type 3. Last evaluated: 2026-01-15. Review status: criteria provided, single submitter. Criteria: Variantyx Assertion Criteria 2022. Collection method: clinical testing. Allele origin: germline. Inheritance: Autosomal recessive inheritance. Affected: no.
Comment: This is a nonsynonymous variant in the TMEM67 gene (OMIM: 609884). Pathogenic variants in this gene have been associated with autosomal recessive TMEM67-related disorders. This variant has been identified in the homozygous or compound heterozygous state in at least 6 individuals reported in the published literature (PMID: 17397051, 28497568, 29568536, 21866095, 23351400) (PM3_Strong). This variant lies within a known hotspot for pathogenic variants or a well-established critical functional domain of the TMEM67 protein (PMID: 20232449) (PM1). Functional studies have shown that this variant alters TMEM67 protein function (PMID: 26035863) (PS3_Moderate), and multiple computational algorithms predict a deleterious effect for this variant (REVEL score: 0.859) (PP3). This variant has a 0.0120% maximum allele frequency in non-founder control populations (PM2). Based on the current evidence, this variant is classified as pathogenic for autosomal recessive TMEM67-related disorders.

Labcorp Genetics (formerly Invitae), Labcorp
Classification: Pathogenic for Joubert syndrome; Meckel-Gruber syndrome. Last evaluated: 2025-09-08. Review status: criteria provided, single submitter. Criteria: Invitae Variant Classification Sherloc (09022015). Collection method: clinical testing. Allele origin: germline.
Comment: This sequence change replaces methionine, which is neutral and non-polar, with threonine, which is neutral and polar, at codon 252 of the TMEM67 protein (p.Met252Thr). This variant is present in population databases (rs202149403, gnomAD 0.01%). This missense change has been observed in individual(s) with Joubert syndrome (PMID: 17397051, 28497568, 29568536). In at least one individual the data is consistent with being in trans (on the opposite chromosome) from a pathogenic variant. ClinVar contains an entry for this variant (Variation ID: 1387). Invitae Evidence Modeling of protein sequence and biophysical properties (such as structural, functional, and spatial information, amino acid conservation, physicochemical variation, residue mobility, and thermodynamic stability) indicates that this missense variant is expected to disrupt TMEM67 protein function with a positive predictive value of 95%. Experimental studies have shown that this missense change affects TMEM67 function (PMID: 26035863). For these reasons, this variant has been classified as Pathogenic.

Blueprint Genetics
Classification: Pathogenic for TMEM67-related disorders. Last evaluated: 2024-09-11. Review status: criteria provided, single submitter. Criteria: ACMG Guidelines, 2015. Collection method: clinical testing. Allele origin: germline. Affected: yes. Observed: 5 variant alleles.

Women's Health and Genetics/Laboratory Corporation of America, LabCorp
Classification: Pathogenic for Joubert syndrome and related disorders. Last evaluated: 2024-05-21. Review status: criteria provided, single submitter. Criteria: LabCorp Variant Classification Summary - May 2015. Collection method: clinical testing. Allele origin: germline.
Comment: Variant summary: TMEM67 c.755T>C (p.Met252Thr) results in a non-conservative amino acid change in the encoded protein sequence. Four of five in-silico tools predict a damaging effect of the variant on protein function. The variant allele was found at a frequency of 8.4e-05 in 251348 control chromosomes. This frequency is not significantly higher than estimated for a pathogenic variant in TMEM67 causing Joubert Syndrome And Related Disorders (8.4e-05 vs 0.0018), allowing no conclusion about variant significance. c.755T>C has been reported in the literature in compound heterozygous state in multiple individuals affected with Joubert Syndrome And Related Disorders and in at least one family, this variant has been shown to segregate with disease in three siblings (e.g. Otto_2010, Szymanska_2012, Bachmann-Gagescu_2015, Hickey_2018). These data indicate that the variant is very likely to be associated with disease. The following publications have been ascertained in the context of this evaluation (PMID: 26092869, 29568536, 23351400, 21068128). ClinVar contains an entry for this variant (Variation ID: 1387). Based on the evidence outlined above, the variant was classified as pathogenic.

Fulgent Genetics
Classification: Pathogenic for COACH syndrome 1; RHYNS syndrome; Meckel syndrome, type 3; Joubert syndrome 6; Nephronophthisis 11; Bardet-Biedl syndrome 14. Last evaluated: 2024-01-07. Review status: criteria provided, single submitter. Criteria: ACMG Guidelines, 2015. Collection method: clinical testing. Allele origin: germline.

GeneDx
Classification: Pathogenic. Last evaluated: 2023-03-08. Review status: criteria provided, single submitter. Criteria: GeneDx Variant Classification Process June 2021. Collection method: clinical testing. Allele origin: germline. Affected: yes.
Comment: In silico analysis, which includes protein predictors and evolutionary conservation, supports a deleterious effect; Not observed at significant frequency in large population cohorts (gnomAD); This variant is associated with the following publications: (PMID: 17397051, 19466712, 29568536, 20232449, 21866095, 19508969, 26092869, 28497568, 29146704, 23351400, 31589614, 34426522, 36090483, 36788019)

CeGaT Center for Human Genetics Tuebingen
Classification: Pathogenic. Last evaluated: 2022-07-01. Review status: criteria provided, single submitter. Criteria: CeGaT Center For Human Genetics Tuebingen Variant Classification Criteria Version 2. Collection method: clinical testing. Allele origin: germline. Affected: yes. Observed: 1 variant allele.
Comment: TMEM67: PM3:Very Strong, PM1, PM2

Clinical Genetics Laboratory, Skane University Hospital Lund
Classification: Likely pathogenic. Last evaluated: 2022-05-27. Review status: criteria provided, single submitter. Criteria: ACMG Guidelines, 2015. Collection method: clinical testing. Allele origin: germline. Affected: yes.

Revvity Omics, Revvity
Classification: Pathogenic. Last evaluated: 2021-09-07. Review status: criteria provided, single submitter. Criteria: ACMG Guidelines, 2015. Collection method: clinical testing. Allele origin: germline.

UW Hindbrain Malformation Research Program, University of Washington
Classification: Pathogenic for Joubert syndrome 6. Last evaluated: 2015-02-23. Review status: criteria provided, single submitter. Criteria: Bachmann-Gagescu et al. (J Med Genet. 2015). Collection method: research. Allele origin: unknown. Affected: yes.

OMIM
Classification: Pathogenic for JOUBERT SYNDROME 6. Last evaluated: 2009-10-01. Review status: no assertion criteria provided. Collection method: literature only. Allele origin: germline. Not counted in ClinVar's aggregate classification.

Clinical Genetics DNA and cytogenetics Diagnostics Lab, Erasmus MC, Erasmus Medical Center
Classification: Likely pathogenic. Review status: no assertion criteria provided. Collection method: clinical testing. Allele origin: germline. Affected: yes. Study: VKGL Data-share Consensus. Not counted in ClinVar's aggregate classification.

GeneReviews
No classification provided. Condition: Nephronophthisis. Review status: no classification provided. Collection method: literature only. Allele origin: germline. Affected: yes. Not counted in ClinVar's aggregate classification.

Genome Diagnostics Laboratory, University Medical Center Utrecht
Classification: Pathogenic. Review status: no assertion criteria provided. Collection method: clinical testing. Allele origin: germline. Affected: yes. Study: VKGL Data-share Consensus. Not counted in ClinVar's aggregate classification.

Joint Genome Diagnostic Labs from Nijmegen and Maastricht, Radboudumc and MUMC+
Classification: Likely pathogenic. Review status: no assertion criteria provided. Collection method: clinical testing. Allele origin: germline. Affected: yes. Study: VKGL Data-share Consensus. Not counted in ClinVar's aggregate classification.

Literature cited by the submitters: PubMed 17397051 (cited by Variantyx, Inc. and Labcorp Genetics (formerly Invitae), Labcorp); PubMed 28497568 (cited by Variantyx, Inc. and Labcorp Genetics (formerly Invitae), Labcorp); PubMed 29568536 (cited by 3 submitters); PubMed 21866095 (cited by Variantyx, Inc. and GeneReviews); PubMed 23351400 (cited by Variantyx, Inc. and Women's Health and Genetics/Laboratory Corporation of America, LabCorp); PubMed 26035863 (cited by Variantyx, Inc. and Labcorp Genetics (formerly Invitae), Labcorp); PubMed 26092869 (cited by Women's Health and Genetics/Laboratory Corporation of America, LabCorp); PubMed 21068128 (cited by Women's Health and Genetics/Laboratory Corporation of America, LabCorp); PubMed 19508969 (cited by OMIM); NCBI Bookshelf NBK368475 (cited by GeneReviews).